The following is an entry in ClinVar:

NM_170707.4(LMNA):c.1882A>G (p.Ser628Gly)

Gene: LMNA (lamin A/C; plus strand). Cytogenetic location: 1q22.
Variant type: single nucleotide variant.
Coding change: c.1882A>G on transcript NM_170707.4 (MANE Select); coding-DNA position 1882, A replaced by G.
Protein change: p.Ser628Gly; replaces serine 628 with glycine.
Molecular consequence: missense variant. On other transcripts: intron variant (1).
Genome position (GRCh38, 1-based): chr1:156,138,671, A>G. VCF-style: chr1-156138671-A-G. GRCh37 (hg19) VCF-style: chr1-156108462-A-G.
Other names: c.1546A>G, p.Ser516Gly (NM_001257374.3, NM_001406989.1); c.1882A>G, p.Ser628Gly (NM_001406983.1, NM_001406985.1, NM_001406991.1); c.1639A>G, p.Ser547Gly (NM_001406986.1, NM_001406987.1); c.1585A>G, p.Ser529Gly (NM_001406988.1); c.1324A>G, p.Ser442Gly (NM_001406990.1, NM_001406993.1, NM_001406995.1 and 2 more transcripts); c.1258A>G, p.Ser420Gly (NM_001406994.1, NM_001406999.1, NM_001407000.1 and 1 more transcripts); c.1792A>G, p.Ser598Gly (NM_170708.4); c.1818+64A>G (NM_001282626.2); short protein forms S529G, S420G, S442G, S598G, S516G, S547G, S628G.
Identifiers: ClinVar variation 2180427 (VCV002180427.4), dbSNP rs747253572, ClinGen allele CA342827584.

ClinVar aggregate classification (germline): Uncertain significance (1 of 4 stars; one submission).

Conditions:
Charcot-Marie-Tooth disease type 2. Also called: Charcot-Marie-Tooth type 2. Identifiers: Orphanet 64746, MedGen C0270914, MONDO:0018993.

Allele frequency attached by ClinVar (database versions not stated): TOPMed below 0.00001.
gnomAD v4.1: 2 of 1,613,674 alleles (0.00012%); highest among the groups gnomAD compares: Admixed American, 0.0033%; no homozygotes.

Submission:

Labcorp Genetics (formerly Invitae), Labcorp
Classification: Uncertain significance for Charcot-Marie-Tooth disease type 2. Last evaluated: 2024-09-16. Review status: criteria provided, single submitter. Criteria: Invitae Variant Classification Sherloc (09022015). Collection method: clinical testing. Allele origin: germline.
Comment: This sequence change replaces serine, which is neutral and polar, with glycine, which is neutral and non-polar, at codon 628 of the LMNA protein (p.Ser628Gly). This variant is not present in population databases (gnomAD no frequency). This missense change has been observed in individual(s) with LMNA-related conditions (internal data). ClinVar contains an entry for this variant (Variation ID: 2180427). Invitae Evidence Modeling of protein sequence and biophysical properties (such as structural, functional, and spatial information, amino acid conservation, physicochemical variation, residue mobility, and thermodynamic stability) indicates that this missense variant is expected to disrupt LMNA protein function with a positive predictive value of 95%. In summary, the available evidence is currently insufficient to determine the role of this variant in disease. Therefore, it has been classified as a Variant of Uncertain Significance.